The following is an entry in ClinVar:

ClinVar aggregate classification (germline): Uncertain significance (1 of 4 stars; one submission).

Submission:

Labcorp Genetics (formerly Invitae), Labcorp
Classification: Uncertain significance. Last evaluated: 2025-06-29. Review status: criteria provided, single submitter. Criteria: Invitae Variant Classification Sherloc (09022015). Collection method: clinical testing. Allele origin: germline.
Comment: This sequence change replaces isoleucine, which is neutral and non-polar, with leucine, which is neutral and non-polar, at codon 593 of the ASXL1 protein (p.Ile593Leu). This variant is not present in population databases (gnomAD no frequency). This variant has not been reported in the literature in individuals affected with ASXL1-related conditions. An algorithm developed to predict the effect of missense changes on protein structure and function (PolyPhen-2) suggests that this variant is likely to be tolerated. In summary, the available evidence is currently insufficient to determine the role of this variant in disease. Therefore, it has been classified as a Variant of Uncertain Significance.

NM_015338.6(ASXL1):c.1777A>C (p.Ile593Leu)

Gene: ASXL1 (ASXL transcriptional regulator 1; plus strand). Cytogenetic location: 20q11.21.
Variant type: single nucleotide variant.
Coding change: c.1777A>C on transcript NM_015338.6 (MANE Select); coding-DNA position 1777, A replaced by C.
Protein change: p.Ile593Leu; replaces isoleucine 593 with leucine.
Molecular consequence: missense variant.
Genome position (GRCh38, 1-based): chr20:32,434,489, A>C. VCF-style: chr20-32434489-A-C. GRCh37 (hg19) VCF-style: chr20-31022292-A-C.
Other names: c.1594A>C, p.Ile532Leu (NM_001363734.1); short protein forms I593L, I532L.
Identifiers: ClinVar variation 4778271 (VCV004778271.1).